The following is an entry in ClinVar:

ClinVar aggregate classification (germline): Benign/Likely benign. Review status: criteria provided, multiple submitters, no conflicts (2 of 4 stars). 9 submissions from 9 submitters: Benign (5); Likely benign (2). 2 of the submissions do not count toward it. Last evaluated 2026-02-04.

Conditions:
Familial infantile myasthenia (CMS6). Also called: MYASTHENIC SYNDROME, CONGENITAL, 6, PRESYNAPTIC; Congenital myasthenic syndrome type 6; MYASTHENIC SYNDROME, PRESYNAPTIC, CONGENITAL, ASSOCIATED WITH EPISODIC APNEA. Identifiers: Orphanet 590, MedGen C0393929, MONDO:0009689, OMIM 254210.

Allele frequency attached by ClinVar (database versions not stated): 1000 Genomes Project 0.02516; 1000 Genomes Project 30x 0.02530; TOPMed 0.03756; gnomAD 0.04564 and 0.04717; ESP Exome Variant Server 0.04575; ExAC 0.04666; gnomAD exomes 0.04680 and 0.05795.

Submissions (9):

Labcorp Genetics (formerly Invitae), Labcorp
Classification: Benign for Familial infantile myasthenia. Last evaluated: 2026-02-04. Review status: criteria provided, single submitter. Criteria: Invitae Variant Classification Sherloc (09022015). Collection method: clinical testing. Allele origin: germline.

Athena Diagnostics
Classification: Benign. Last evaluated: 2025-06-02. Review status: criteria provided, single submitter. Criteria: Athena Diagnostics Criteria. Collection method: clinical testing. Allele origin: unknown.
Comment: The frequency of this variant in the general population is higher than would generally be expected for pathogenic variants in this gene.

Women's Health and Genetics/Laboratory Corporation of America, LabCorp
Classification: Likely benign. Last evaluated: 2021-12-10. Review status: criteria provided, single submitter. Criteria: LabCorp Variant Classification Summary - May 2015. Collection method: clinical testing. Allele origin: germline.

Laboratory for Molecular Medicine, Mass General Brigham Personalized Medicine
Classification: Benign. Last evaluated: 2016-03-28. Review status: criteria provided, single submitter. Criteria: LMM Criteria. Collection method: clinical testing. Allele origin: germline.
Comment: Variant identified in a genome or exome case(s) and assessed due to predicted null impact of the variant or pathogenic assertions in the literature or databases. Disclaimer: This variant has not undergone full assessment. The following are preliminary notes: Frequency

GeneDx
Classification: Benign. Last evaluated: 2016-01-19. Review status: criteria provided, single submitter. Criteria: GeneDx Variant Classification (06012015). Collection method: clinical testing. Allele origin: germline. Affected: yes.
Comment: This variant is considered likely benign or benign based on one or more of the following criteria: it is a conservative change, it occurs at a poorly conserved position in the protein, it is predicted to be benign by multiple in silico algorithms, and/or has population frequency not consistent with disease.

Breakthrough Genomics
Classification: Likely benign. Review status: criteria provided, single submitter. Criteria: ACMG Guidelines, 2015. Collection method: not provided. Allele origin: germline. Inheritance: Autosomal recessive inheritance. Affected: yes.

PreventionGenetics, part of Exact Sciences
Classification: Benign. Review status: criteria provided, single submitter. Criteria: ACMG Guidelines, 2015. Collection method: clinical testing. Allele origin: germline.

Mayo Clinic Laboratories, Mayo Clinic
Classification: Benign. Last evaluated: 2016-02-24. Review status: no assertion criteria provided. Collection method: clinical testing. Allele origin: unknown. Not counted in ClinVar's aggregate classification.

Genetic Services Laboratory, University of Chicago
Classification: Likely benign for AllHighlyPenetrant. Review status: no assertion criteria provided. Collection method: clinical testing. Allele origin: germline. Inheritance: Autosomal recessive inheritance. Not counted in ClinVar's aggregate classification.
Comment: Likely benign based on allele frequency in 1000 Genomes Project or ESP global frequency and its presence in a patient with a rare or unrelated disease phenotype. NOT Sanger confirmed.

NM_020549.5(CHAT):c.727C>T (p.Leu243Phe)

Gene: CHAT (choline O-acetyltransferase; plus strand). Cytogenetic location: 10q11.23.
Variant type: single nucleotide variant.
Coding change: c.727C>T on transcript NM_020549.5 (MANE Select); coding-DNA position 727, C replaced by T.
Protein change: p.Leu243Phe; replaces leucine 243 with phenylalanine.
Molecular consequence: missense variant.
Genome position (GRCh38, 1-based): chr10:49,622,125, C>T. VCF-style: chr10-49622125-C-T. GRCh37 (hg19) VCF-style: chr10-50830171-C-T.
Other names: c.373C>T, p.Leu125Phe (NM_001142929.2, NM_001142934.2, NM_020984.4 and 2 more transcripts); c.481C>T, p.Leu161Phe (NM_001142933.2); short protein forms L125F, L243F, L161F.
Identifiers: ClinVar variation 128726 (VCV000128726.26), dbSNP rs8178990, ClinGen allele CA152358.